The following is an entry in ClinVar:

ClinVar aggregate classification (germline): Likely pathogenic (1 of 4 stars; one submission).

Conditions:
Neurodevelopmental disorder with impaired language, behavioral abnormalities, and dysmorphic facies (NEDLBF). Identifiers: MedGen C5882686, MONDO:0957588, OMIM 620494.

Submission:

Division of Genetic & Genomic Pathology, Hong Kong Children's Hospital
Classification: Likely pathogenic for Neurodevelopmental disorder with impaired language, behavioral abnormalities, and dysmorphic facies. Last evaluated: 2025-08-01. Review status: criteria provided, single submitter. Criteria: ACMG Guidelines, 2015. Collection method: clinical testing. Allele origin: germline. Affected: yes.
Comment: UBAP2L c.1965del is a 1-nucleotide deletion located in exon 17 (out of 27 exons). It disrupts the original reading frame of the gene and is predicted to result in loss of protein function by nonsense-mediated mRNA decay. The variant is absent from the control populations (gnomAD v2.1.1 and v4.1.0). It has been reported in a patient with speech delay as a de novo occurrence (PMID: 35977029). For these reasons, this variant is classified as likely pathogenic.

Literature cited by the submitters: PubMed 35977029.

NM_014847.4(UBAP2L):c.1965del (p.Leu656fs)

Gene: UBAP2L (ubiquitin associated protein 2 like; plus strand). Cytogenetic location: 1q21.3.
Variant type: Deletion.
Coding change: c.1965del on transcript NM_014847.4 (MANE Select); coding-DNA position 1965, one base deleted (T; older notation c.1965delT).
Protein change: p.Leu656fs; shifts the reading frame from leucine 656.
Molecular consequence: frameshift variant.
Genome position (GRCh38, 1-based): chr1:154,255,207, T deleted. VCF-style (leftmost placement, unchanged base first): chr1-154255206-CT-C. GRCh37 (hg19) VCF-style: chr1-154227682-CT-C.
Other names: c.1965del, p.Leu656fs (NM_001127320.3, NM_001375614.1, NM_001375615.1 and 14 more transcripts); c.1944del, p.Leu649fs (NM_001287815.1); c.1998del, p.Leu667fs (NM_001287816.1, NM_001330730.1, NM_001375612.1 and 2 more transcripts); short protein forms L649fs, L656fs, L667fs.
Identifiers: ClinVar variation 4849231 (VCV004849231.1).